The following is an entry in ClinVar:

NM_001297.5(CNGB1):c.2670_2671dup (p.Thr891fs)

Gene: CNGB1 (cyclic nucleotide gated channel subunit beta 1; minus strand). Cytogenetic location: 16q21.
Variant type: Duplication.
Coding change: c.2670_2671dup on transcript NM_001297.5 (MANE Select); coding-DNA positions 2670 to 2671, 2 bases duplicated (GA; older notation c.2670_2671dupGA).
Protein change: p.Thr891fs; shifts the reading frame from threonine 891.
Molecular consequence: frameshift variant.
Genome position (GRCh38, 1-based): chr16:57,903,945-57,903,946, TC duplicated on the plus strand (GA on the coding strand, the reverse complement: CNGB1 is on the minus strand); duplicating any 2 consecutive bases within chr16:57,903,945-57,903,947 gives the same sequence; the c. name uses the placement nearest the transcript's 3' end. VCF-style (leftmost placement, unchanged base first): chr16-57903944-G-GTC. GRCh37 (hg19) VCF-style: chr16-57937848-G-GTC.
Other names: c.2652_2653dup, p.Thr885fs (NM_001286130.2); c.2670_2671dupGA (NM_001297.5); short protein forms T891fs, T885fs.
Identifiers: ClinVar variation 965887 (VCV000965887.8), dbSNP rs1394513954, ClinGen allele CA722126482.

ClinVar aggregate classification (germline): Conflicting classifications of pathogenicity. Review status: criteria provided, conflicting classifications (1 of 4 stars). 2 submissions from 2 submitters: Pathogenic (1); Uncertain significance (1). Last evaluated 2023-10-01.

Conditions:
Retinal dystrophy. Also called: Inherited retinal dystrophy. Identifiers: Orphanet 71862, MedGen C0854723, MeSH D058499, MONDO:0019118, HP:0000556.

Submissions (2):

Dept Of Ophthalmology, Nagoya University
Classification: Uncertain significance for Retinal dystrophy. Last evaluated: 2023-10-01. Review status: criteria provided, single submitter. Criteria: Submitter's publication. Collection method: research. Allele origin: germline. Affected: yes.

Labcorp Genetics (formerly Invitae), Labcorp
Classification: Pathogenic. Last evaluated: 2020-10-01. Review status: criteria provided, single submitter. Criteria: Invitae Variant Classification Sherloc (09022015). Collection method: clinical testing. Allele origin: germline.
Comment: Loss-of-function variants in CNGB1 are known to be pathogenic (PMID: 15557452, 24043777). This variant has not been reported in the literature in individuals with CNGB1-related conditions. This variant is not present in population databases (ExAC no frequency). This sequence change creates a premature translational stop signal (p.Thr891Argfs*12) in the CNGB1 gene. It is expected to result in an absent or disrupted protein product. For these reasons, this variant has been classified as Pathogenic.

Literature cited by the submitters: PubMed 15557452 (cited by Labcorp Genetics (formerly Invitae), Labcorp); PubMed 24043777 (cited by Labcorp Genetics (formerly Invitae), Labcorp).